The following is an entry in ClinVar:

ClinVar aggregate classification (germline): Uncertain significance (1 of 4 stars; one submission).

Submission:

Labcorp Genetics (formerly Invitae), Labcorp
Classification: Uncertain significance. Last evaluated: 2025-11-17. Review status: criteria provided, single submitter. Criteria: Invitae Variant Classification Sherloc (09022015). Collection method: clinical testing. Allele origin: germline.
Comment: This sequence change replaces glutamine, which is neutral and polar, with arginine, which is basic and polar, at codon 380 of the LIPG protein (p.Gln380Arg). This variant is not present in population databases (gnomAD no frequency). This variant has not been reported in the literature in individuals affected with LIPG-related conditions. An algorithm developed to predict the effect of missense changes on protein structure and function (PolyPhen-2) suggests that this variant is likely to be disruptive. In summary, the available evidence is currently insufficient to determine the role of this variant in disease. Therefore, it has been classified as a Variant of Uncertain Significance.

NM_006033.4(LIPG):c.1139A>G (p.Gln380Arg)

Gene: LIPG (lipase G, endothelial type; plus strand). Cytogenetic location: 18q21.1.
Variant type: single nucleotide variant.
Coding change: c.1139A>G on transcript NM_006033.4 (MANE Select); coding-DNA position 1139, A replaced by G.
Protein change: p.Gln380Arg; replaces glutamine 380 with arginine.
Molecular consequence: missense variant.
Genome position (GRCh38, 1-based): chr18:49,582,464, A>G. VCF-style: chr18-49582464-A-G. GRCh37 (hg19) VCF-style: chr18-47108834-A-G.
Other names: c.917A>G, p.Gln306Arg (NM_001308006.2); short protein forms Q306R, Q380R.
Identifiers: ClinVar variation 4759792 (VCV004759792.1).